The following is an entry in ClinVar:

ClinVar aggregate classification (germline): Uncertain significance (1 of 4 stars; one submission).

gnomAD v4.1: 31 of 1,613,956 alleles (0.0019%); highest among the groups gnomAD compares: Non-Finnish European, 0.0026%; no homozygotes.

Submission:

GeneDx
Classification: Uncertain significance. Last evaluated: 2025-06-18. Review status: criteria provided, single submitter. Criteria: GeneDx Variant Classification Process June 2021. Collection method: clinical testing. Allele origin: germline. Affected: yes.
Comment: Not observed at significant frequency in large population cohorts (gnomAD); In silico analysis suggests that this missense variant does not alter protein structure/function; Has not been previously published as pathogenic or benign to our knowledge

NM_016213.5(TRIP4):c.1123C>A (p.Pro375Thr)

Gene: TRIP4 (thyroid hormone receptor interactor 4; plus strand). Cytogenetic location: 15q22.31.
Variant type: single nucleotide variant.
Coding change: c.1123C>A on transcript NM_016213.5 (MANE Select); coding-DNA position 1123, C replaced by A.
Protein change: p.Pro375Thr; replaces proline 375 with threonine.
Molecular consequence: missense variant.
Genome position (GRCh38, 1-based): chr15:64,414,164, C>A. VCF-style: chr15-64414164-C-A. GRCh37 (hg19) VCF-style: chr15-64706363-C-A.
Other names: c.433C>A, p.Pro145Thr (NM_001321924.2); short protein forms P145T, P375T.
Identifiers: ClinVar variation 4538790 (VCV004538790.1).